The following is an entry in ClinVar:

NM_022051.3(EGLN1):c.1243A>G (p.Asn415Asp)

Gene: EGLN1 (egl-9 family hypoxia inducible factor 1; minus strand). Cytogenetic location: 1q42.2.
Variant type: single nucleotide variant.
Coding change: c.1243A>G on transcript NM_022051.3 (MANE Select); coding-DNA position 1243, A replaced by G.
Protein change: p.Asn415Asp; replaces asparagine 415 with aspartic acid.
Molecular consequence: missense variant. On other transcripts: 3 prime UTR variant (2).
Genome position (GRCh38, 1-based): chr1:231,366,449, T>C on the plus strand (A>G on the coding strand, the complement: EGLN1 is on the minus strand). VCF-style: chr1-231366449-T-C. GRCh37 (hg19) VCF-style: chr1-231502195-T-C.
Other names: c.*23A>G (NM_001377260.1); c.*68A>G (NM_001377261.1); short protein forms N415D.
Identifiers: ClinVar variation 3227689 (VCV003227689.1), dbSNP rs2527215625, ClinGen allele CA345238430.

ClinVar aggregate classification (germline): Uncertain significance (1 of 4 stars; one submission).

Submission:

Ambry Genetics
Classification: Uncertain significance. Last evaluated: 2024-03-12. Review status: criteria provided, single submitter. Criteria: Ambry Variant Classification Scheme 2023. Collection method: clinical testing. Allele origin: germline.
Comment: The p.N415D variant (also known as c.1243A>G), located in coding exon 5 of the EGLN1 gene, results from an A to G substitution at nucleotide position 1243. The asparagine at codon 415 is replaced by aspartic acid, an amino acid with highly similar properties. This amino acid position is conserved. In addition, this alteration is predicted to be tolerated by in silico analysis. Based on the available evidence, the clinical significance of this alteration remains unclear.